The following is an entry in ClinVar:

ClinVar aggregate classification (germline): Uncertain significance. Review status: criteria provided, multiple submitters, no conflicts (2 of 4 stars). 3 submissions from 3 submitters: Uncertain significance (3). Last evaluated 2025-06-11.

Conditions:
Familial thoracic aortic aneurysm and aortic dissection (TAAD). Also called: Thoracic aortic aneurysms and dissections. Identifiers: Orphanet 91387, MedGen C4707243, MONDO:0019625.

gnomAD v4.1: 3 of 1,609,012 alleles (0.00019%); highest among the groups gnomAD compares: Non-Finnish European, 0.00025%; no homozygotes.

Submissions (3):

GeneDx
Classification: Uncertain significance. Last evaluated: 2025-06-11. Review status: criteria provided, single submitter. Criteria: GeneDx Variant Classification Process June 2021. Collection method: clinical testing. Allele origin: germline. Affected: yes.
Comment: Not observed at significant frequency in large population cohorts (gnomAD); In silico analysis supports that this missense variant has a deleterious effect on protein structure/function; Has not been previously published as pathogenic or benign to our knowledge

Color Diagnostics, LLC DBA Color Health
Classification: Uncertain significance for Familial thoracic aortic aneurysm and aortic dissection. Last evaluated: 2024-03-06. Review status: criteria provided, single submitter. Criteria: ACMG Guidelines, 2015. Collection method: clinical testing. Allele origin: germline.
Comment: This missense variant replaces methionine with lysine at codon 1762 of the MYH11 protein. Computational prediction is inconclusive regarding the impact of this variant on protein structure and function (internally defined REVEL score threshold 0.5 < inconclusive < 0.7, PMID: 27666373). To our knowledge, functional studies have not been reported for this variant. This variant has not been reported in individuals affected with cardiovascular disorders in the literature. This variant has not been identified in the general population by the Genome Aggregation Database (gnomAD). The available evidence is insufficient to determine the role of this variant in disease conclusively. Therefore, this variant is classified as a Variant of Uncertain Significance.

All of Us Research Program, National Institutes of Health
Classification: Uncertain significance for Familial thoracic aortic aneurysm and aortic dissection. Last evaluated: 2023-11-02. Review status: criteria provided, single submitter. Criteria: ACMG Guidelines, 2015. Collection method: clinical testing. Allele origin: germline. Inheritance: Autosomal dominant inheritance. Observed: 1 variant allele, 1 heterozygote.
Comment: This missense variant replaces methionine with lysine at codon 1762 of the MYH11 protein. Computational prediction is inconclusive regarding the impact of this variant on protein structure and function (internally defined REVEL score threshold 0.5 < inconclusive < 0.7, PMID: 27666373). To our knowledge, functional studies have not been reported for this variant. This variant has not been reported in individuals affected with cardiovascular disorders in the literature. This variant has not been identified in the general population by the Genome Aggregation Database (gnomAD). The available evidence is insufficient to determine the role of this variant in disease conclusively. Therefore, this variant is classified as a Variant of Uncertain Significance.

This study involves interpretation of variants in research participants for the purpose of population health screening. Participant phenotype was not available at the time of variant classification. Additional details can be found in publication PMID: 35346344, PMCID: PMC8962531

NM_002474.3(MYH11):c.5264T>A (p.Met1755Lys)

Genes: NDE1 (nudE neurodevelopment protein 1; plus strand), MYH11 (myosin heavy chain 11; minus strand). Cytogenetic location: 16p13.11.
Variant type: single nucleotide variant.
Coding change: c.5264T>A on transcript NM_002474.3 (MANE Select); coding-DNA position 5264, T replaced by A.
Protein change: p.Met1755Lys; replaces methionine 1755 with lysine.
Molecular consequence: missense variant. On other transcripts: intron variant (2).
Genome position (GRCh38, 1-based): chr16:15,718,346, A>T on the plus strand (T>A on the coding strand, the complement: MYH11 is on the minus strand). VCF-style: chr16-15718346-A-T. GRCh37 (hg19) VCF-style: chr16-15812203-A-T.
Other names: c.5285T>A, p.Met1762Lys (NM_001040113.2, NM_001040114.2); c.5264T>A, p.Met1755Lys (NM_022844.3); c.948-5845A>T (NM_001143979.2, NM_017668.3); short protein forms M1762K, M1755K.
Identifiers: ClinVar variation 928171 (VCV000928171.7), dbSNP rs756538881, ClinGen allele CA394849951.